The following is an entry in ClinVar:

ClinVar aggregate classification (germline): Uncertain significance. Review status: criteria provided, multiple submitters, no conflicts (2 of 4 stars). 2 submissions from 2 submitters: Uncertain significance (2). Last evaluated 2022-04-29.

Conditions:
Hereditary cancer-predisposing syndrome. Also called: Hereditary Cancer Syndrome; Neoplastic Syndromes, Hereditary; Hereditary neoplastic syndrome; Tumor predisposition. Identifiers: Orphanet 140162, MedGen C0027672, MeSH D009386, MONDO:0015356.
Ataxia-telangiectasia syndrome (AT). Also called: Cerebello-oculocutaneous telangiectasia; Immunodeficiency with ataxia telangiectasia; Ataxia-telangiectasia, complementation group E; Ataxia-telangiectasia, complementation group D; AT, COMPLEMENTATION GROUP C; ATAXIA-TELANGIECTASIA, COMPLEMENTATION GROUP A. Identifiers: Orphanet 100, MedGen C0004135, MONDO:0008840, OMIM 208900.

Allele frequency attached by ClinVar (database versions not stated): TOPMed below 0.00001.

Submissions (2):

Labcorp Genetics (formerly Invitae), Labcorp
Classification: Uncertain significance for Ataxia-telangiectasia syndrome. Last evaluated: 2022-04-29. Review status: criteria provided, single submitter. Criteria: Invitae Variant Classification Sherloc (09022015). Collection method: clinical testing. Allele origin: germline.
Comment: In summary, the available evidence is currently insufficient to determine the role of this variant in disease. Therefore, it has been classified as a Variant of Uncertain Significance. Advanced modeling of protein sequence and biophysical properties (such as structural, functional, and spatial information, amino acid conservation, physicochemical variation, residue mobility, and thermodynamic stability) performed at Invitae indicates that this missense variant is not expected to disrupt ATM protein function. ClinVar contains an entry for this variant (Variation ID: 823522). This variant has not been reported in the literature in individuals affected with ATM-related conditions. This variant is not present in population databases (gnomAD no frequency). This sequence change replaces arginine, which is basic and polar, with threonine, which is neutral and polar, at codon 329 of the ATM protein (p.Arg329Thr).

Ambry Genetics
Classification: Uncertain significance for Hereditary cancer-predisposing syndrome. Last evaluated: 2021-08-30. Review status: criteria provided, single submitter. Criteria: Ambry Variant Classification Scheme 2023. Collection method: clinical testing. Allele origin: germline.
Comment: The p.R329T variant (also known as c.986G>C), located in coding exon 7 of the ATM gene, results from a G to C substitution at nucleotide position 986. The arginine at codon 329 is replaced by threonine, an amino acid with similar properties. This amino acid position is highly conserved in available vertebrate species. In addition, this alteration is predicted to be deleterious by in silico analysis. Since supporting evidence is limited at this time, the clinical significance of this alteration remains unclear.

NM_000051.4(ATM):c.986G>C (p.Arg329Thr)

Gene: ATM (ATM serine/threonine kinase; plus strand). Cytogenetic location: 11q22.3.
Variant type: single nucleotide variant.
Coding change: c.986G>C on transcript NM_000051.4 (MANE Select); coding-DNA position 986, G replaced by C.
Protein change: p.Arg329Thr; replaces arginine 329 with threonine.
Molecular consequence: missense variant.
Genome position (GRCh38, 1-based): chr11:108,247,048, G>C. VCF-style: chr11-108247048-G-C. GRCh37 (hg19) VCF-style: chr11-108117775-G-C.
Other names: c.986G>C, p.Arg329Thr (NM_001351834.2); short protein forms R329T.
Identifiers: ClinVar variation 823522 (VCV000823522.13), dbSNP rs776938735, ClinGen allele CA382531217.